The following is an entry in ClinVar:

ClinVar aggregate classification (germline): Uncertain significance. Review status: criteria provided, multiple submitters, no conflicts (2 of 4 stars). 2 submissions from 2 submitters: Uncertain significance (2). Last evaluated 2025-11-09.

Conditions:
Hereditary cancer-predisposing syndrome. Also called: Tumor predisposition; Hereditary Cancer Syndrome; Hereditary neoplastic syndrome; Neoplastic Syndromes, Hereditary. Identifiers: Orphanet 140162, MedGen C0027672, MeSH D009386, MONDO:0015356.

Allele frequency attached by ClinVar (database versions not stated): gnomAD exomes below 0.00001.

Submissions (2):

Labcorp Genetics (formerly Invitae), Labcorp
Classification: Uncertain significance. Last evaluated: 2025-11-09. Review status: criteria provided, single submitter. Criteria: Invitae Variant Classification Sherloc (09022015). Collection method: clinical testing. Allele origin: germline.
Comment: This sequence change replaces phenylalanine, which is neutral and non-polar, with serine, which is neutral and polar, at codon 264 of the HOXB13 protein (p.Phe264Ser). This variant is not present in population databases (gnomAD no frequency). This variant has not been reported in the literature in individuals affected with HOXB13-related conditions. ClinVar contains an entry for this variant (Variation ID: 485701). Invitae Evidence Modeling of protein sequence and biophysical properties (such as structural, functional, and spatial information, amino acid conservation, physicochemical variation, residue mobility, and thermodynamic stability) indicates that this missense variant is expected to disrupt HOXB13 protein function with a positive predictive value of 80%. In summary, the available evidence is currently insufficient to determine the role of this variant in disease. Therefore, it has been classified as a Variant of Uncertain Significance.

Ambry Genetics
Classification: Uncertain significance for Hereditary cancer-predisposing syndrome. Last evaluated: 2025-07-28. Review status: criteria provided, single submitter. Criteria: Ambry Variant Classification Scheme 2023. Collection method: clinical testing. Allele origin: germline.
Comment: The p.F264S variant (also known as c.791T>C), located in coding exon 2 of the HOXB13 gene, results from a T to C substitution at nucleotide position 791. The phenylalanine at codon 264 is replaced by serine, an amino acid with highly dissimilar properties. This amino acid position is highly conserved in available vertebrate species. In addition, this alteration is predicted to be deleterious by in silico analysis. Since supporting evidence is limited at this time, the clinical significance of this alteration remains unclear.

NM_006361.6(HOXB13):c.791T>C (p.Phe264Ser)

Gene: HOXB13 (homeobox B13; minus strand). Cytogenetic location: 17q21.32.
Variant type: single nucleotide variant.
Coding change: c.791T>C on transcript NM_006361.6 (MANE Select); coding-DNA position 791, T replaced by C.
Protein change: p.Phe264Ser; replaces phenylalanine 264 with serine.
Molecular consequence: missense variant.
Genome position (GRCh38, 1-based): chr17:48,726,854, A>G on the plus strand (T>C on the coding strand, the complement: HOXB13 is on the minus strand). VCF-style: chr17-48726854-A-G. GRCh37 (hg19) VCF-style: chr17-46804216-A-G.
Other names: short protein forms F264S.
Identifiers: ClinVar variation 485701 (VCV000485701.16), dbSNP rs1555558450, ClinGen allele CA400105690.